The following is an entry in ClinVar:

ClinVar aggregate classification (germline): Uncertain significance. Review status: criteria provided, multiple submitters, no conflicts (2 of 4 stars). 2 submissions from 2 submitters: Uncertain significance (2). Last evaluated 2024-03-01.

Conditions:
Inborn genetic diseases. Identifiers: MedGen C0950123, MeSH D030342.

Allele frequency attached by ClinVar (database versions not stated): ExAC 0.00001; TOPMed 0.00002; gnomAD 0.00003.
gnomAD v4.1: 27 of 1,611,950 alleles (0.0017%); highest among the groups gnomAD compares: East Asian, 0.0045%; no homozygotes.

Submissions (2):

Ambry Genetics
Classification: Uncertain significance for Inborn genetic diseases. Last evaluated: 2024-03-01. Review status: criteria provided, single submitter. Criteria: Ambry Variant Classification Scheme 2023. Collection method: clinical testing. Allele origin: germline.

Labcorp Genetics (formerly Invitae), Labcorp
Classification: Uncertain significance. Last evaluated: 2023-11-17. Review status: criteria provided, single submitter. Criteria: Invitae Variant Classification Sherloc (09022015). Collection method: clinical testing. Allele origin: germline.
Comment: This sequence change replaces tyrosine, which is neutral and polar, with cysteine, which is neutral and slightly polar, at codon 108 of the TCF3 protein (p.Tyr108Cys). This variant is present in population databases (rs771302868, gnomAD 0.005%). This variant has not been reported in the literature in individuals affected with TCF3-related conditions. Advanced modeling of protein sequence and biophysical properties (such as structural, functional, and spatial information, amino acid conservation, physicochemical variation, residue mobility, and thermodynamic stability) performed at Invitae indicates that this missense variant is expected to disrupt TCF3 protein function with a positive predictive value of 80%. In summary, the available evidence is currently insufficient to determine the role of this variant in disease. Therefore, it has been classified as a Variant of Uncertain Significance.

NM_003200.5(TCF3):c.323A>G (p.Tyr108Cys)

Gene: TCF3 (transcription factor 3; minus strand). Cytogenetic location: 19p13.3.
Variant type: single nucleotide variant.
Coding change: c.323A>G on transcript NM_003200.5 (MANE Select); coding-DNA position 323, A replaced by G.
Protein change: p.Tyr108Cys; replaces tyrosine 108 with cysteine.
Molecular consequence: missense variant.
Genome position (GRCh38, 1-based): chr19:1,627,402, T>C on the plus strand (A>G on the coding strand, the complement: TCF3 is on the minus strand). VCF-style: chr19-1627402-T-C. GRCh37 (hg19) VCF-style: chr19-1627401-T-C.
Other names: c.323A>G, p.Tyr108Cys (NM_001136139.4, NM_001351778.2, NM_001351779.2); c.323A>G (NM_003200.3); short protein forms Y108C.
Identifiers: ClinVar variation 2958755 (VCV002958755.4), dbSNP rs771302868, ClinGen allele CA9050452.